The following is an entry in ClinVar:

NM_024809.5(TCTN2):c.765-256T>C

Gene: TCTN2 (tectonic family member 2; plus strand). Cytogenetic location: 12q24.31.
Variant type: single nucleotide variant.
Coding change: c.765-256T>C on transcript NM_024809.5 (MANE Select); 256 bases into the intron before coding-DNA position 765, T replaced by C.
Molecular consequence: intron variant.
Genome position (GRCh38, 1-based): chr12:123,687,795, T>C. VCF-style: chr12-123687795-T-C. GRCh37 (hg19) VCF-style: chr12-124172342-T-C.
Other names: c.762-256T>C (NM_001143850.3).
Identifiers: ClinVar variation 671912 (VCV000671912.1), dbSNP rs7301907, ClinGen allele CA13605558.

ClinVar aggregate classification (germline): Benign (1 of 4 stars; one submission).

Allele frequency attached by ClinVar (database versions not stated): 1000 Genomes Project 0.44449; 1000 Genomes Project 30x 0.45440; gnomAD 0.49936 and 0.50824; TOPMed 0.50572.
gnomAD v4.1: 75,653 of 151,530 alleles (50%); highest among the groups gnomAD compares: African/African-American, 72%; 20,613 homozygotes.

Submission:

GeneDx
Classification: Benign. Last evaluated: 2018-06-19. Review status: criteria provided, single submitter. Criteria: GeneDx Variant Classification (06012015). Collection method: clinical testing. Allele origin: germline. Affected: yes.
Comment: This variant is considered likely benign or benign based on one or more of the following criteria: it is a conservative change, it occurs at a poorly conserved position in the protein, it is predicted to be benign by multiple in silico algorithms, and/or has population frequency not consistent with disease.